The following is an entry in ClinVar:

NM_001242896.3(DEPDC5):c.3560C>G (p.Pro1187Arg)

Gene: DEPDC5 (DEP domain containing 5, GATOR1 subcomplex subunit; plus strand). Cytogenetic location: 22q12.3.
Variant type: single nucleotide variant.
Coding change: c.3560C>G on transcript NM_001242896.3 (MANE Select); coding-DNA position 3560, C replaced by G.
Protein change: p.Pro1187Arg; replaces proline 1187 with arginine.
Molecular consequence: missense variant. On other transcripts: non-coding transcript variant (4).
Genome position (GRCh38, 1-based): chr22:31,873,329, C>G. VCF-style: chr22-31873329-C-G. GRCh37 (hg19) VCF-style: chr22-32269315-C-G.
Other names: c.3533C>G, p.Pro1178Arg (NM_001136029.4); c.3260C>G, p.Pro1087Arg (NM_001242897.2); c.3494C>G, p.Pro1165Arg (NM_001363852.2, NM_001364320.2); c.3326C>G, p.Pro1109Arg (NM_001363854.2, NM_001364319.2); c.3560C>G, p.Pro1187Arg (NM_001364318.2); c.3476C>G, p.Pro1159Arg (NM_001369901.1, NM_001369902.1); c.3467C>G, p.Pro1156Arg (NM_001369903.1, NM_014662.6); short protein forms P1087R, P1109R, P1156R, P1159R, P1165R, P1178R, P1187R.
Identifiers: ClinVar variation 1308511 (VCV001308511.2), dbSNP rs373036363, ClinGen allele CA10197020.

ClinVar aggregate classification (germline): Uncertain significance (1 of 4 stars; one submission).

Allele frequency attached by ClinVar (database versions not stated): gnomAD 0.00001; gnomAD exomes 0.00001; ExAC 0.00002; TOPMed 0.00002; ESP Exome Variant Server 0.00008.
gnomAD v4.1: 16 of 1,613,698 alleles (0.00099%); highest among the groups gnomAD compares: South Asian, 0.011%; no homozygotes.

Submission:

GeneDx
Classification: Uncertain significance. Last evaluated: 2019-04-24. Review status: criteria provided, single submitter. Criteria: GeneDx Variant Classification Process June 2021. Collection method: clinical testing. Allele origin: germline. Affected: yes.
Comment: In silico analysis, which includes protein predictors and evolutionary conservation, supports a deleterious effect; Has not been previously published as pathogenic or benign to our knowledge